The following is an entry in ClinVar:

ClinVar aggregate classification (germline): Uncertain significance (1 of 4 stars; one submission).

Conditions:
Cardiovascular phenotype. Identifiers: MedGen CN230736.

Submission:

Ambry Genetics
Classification: Uncertain significance for Cardiovascular phenotype. Last evaluated: 2023-01-31. Review status: criteria provided, single submitter. Criteria: Ambry Variant Classification Scheme 2023. Collection method: clinical testing. Allele origin: germline.
Comment: The p.Q941* variant (also known as c.2821C>T), located in coding exon 43 of the COL1A2 gene, results from a C to T substitution at nucleotide position 2821. This changes the amino acid from a glutamine to a stop codon within coding exon 43. This alteration is expected to result in loss of function by premature protein truncation or nonsense-mediated mRNA decay. Although biallelic loss of function alterations in COL1A2 have been associated with autosomal recessive cardiac valvular type Ehlers-Danlos syndrome (EDS), haploinsufficiency for COL1A2 has not been clearly established as a mechanism of disease for autosomal dominant arthrochalasia type EDS or autosomal dominant osteogenesis imperfecta. Since supporting evidence is limited at this time, the clinical significance of this alteration remains unclear.

NM_000089.4(COL1A2):c.2821C>T (p.Gln941Ter)

Gene: COL1A2 (collagen type I alpha 2 chain; plus strand). Cytogenetic location: 7q21.3.
Variant type: single nucleotide variant.
Coding change: c.2821C>T on transcript NM_000089.4 (MANE Select); coding-DNA position 2821, C replaced by T.
Protein change: p.Gln941Ter; replaces glutamine 941 with a stop codon.
Molecular consequence: nonsense.
Genome position (GRCh38, 1-based): chr7:94,425,649, C>T. VCF-style: chr7-94425649-C-T. GRCh37 (hg19) VCF-style: chr7-94054961-C-T.
Other names: short protein forms Q941*.
Identifiers: ClinVar variation 2452011 (VCV002452011.2), dbSNP rs2484734495, ClinGen allele CA368224686.